The following is an entry in ClinVar:

ClinVar aggregate classification (germline): Conflicting classifications of pathogenicity. Review status: criteria provided, conflicting classifications (1 of 4 stars). 3 submissions from 3 submitters: Likely pathogenic (1); Uncertain significance (2). Last evaluated 2026-01-09.

Conditions:
Hereditary cancer-predisposing syndrome. Also called: Neoplastic Syndromes, Hereditary; Tumor predisposition; Hereditary Cancer Syndrome; Hereditary neoplastic syndrome. Identifiers: Orphanet 140162, MedGen C0027672, MeSH D009386, MONDO:0015356.
Tuberous sclerosis 2 (TSC2). Identifiers: Orphanet 805, MedGen C1860707, MONDO:0013199, OMIM 613254.

Submissions (3):

GeneDx
Classification: Likely pathogenic. Last evaluated: 2026-01-09. Review status: criteria provided, single submitter. Criteria: GeneDx Variant Classification Process June 2021. Collection method: clinical testing. Allele origin: germline.
Comment: Not observed at significant frequency in large population cohorts (gnomAD); In silico analysis supports that this missense variant has a deleterious effect on protein structure/function; Has not been previously published as pathogenic or benign to our knowledge; This variant is associated with the following publications: (PMID: 18466115)

Labcorp Genetics (formerly Invitae), Labcorp
Classification: Uncertain significance for Tuberous sclerosis 2. Last evaluated: 2025-08-11. Review status: criteria provided, single submitter. Criteria: Invitae Variant Classification Sherloc (09022015). Collection method: clinical testing. Allele origin: germline.
Comment: This sequence change replaces leucine, which is neutral and non-polar, with proline, which is neutral and non-polar, at codon 102 of the TSC2 protein (p.Leu102Pro). This variant is not present in population databases (gnomAD no frequency). This variant has not been reported in the literature in individuals affected with TSC2-related conditions. Invitae Evidence Modeling of protein sequence and biophysical properties (such as structural, functional, and spatial information, amino acid conservation, physicochemical variation, residue mobility, and thermodynamic stability) indicates that this missense variant is not expected to disrupt TSC2 protein function with a negative predictive value of 95%. In summary, the available evidence is currently insufficient to determine the role of this variant in disease. Therefore, it has been classified as a Variant of Uncertain Significance.

Ambry Genetics
Classification: Uncertain significance for Hereditary cancer-predisposing syndrome. Last evaluated: 2025-06-19. Review status: criteria provided, single submitter. Criteria: Ambry Variant Classification Scheme 2023. Collection method: clinical testing. Allele origin: germline.
Comment: The p.L102P variant (also known as c.305T>C), located in coding exon 3 of the TSC2 gene, results from a T to C substitution at nucleotide position 305. The leucine at codon 102 is replaced by proline, an amino acid with similar properties. This amino acid position is conserved. In addition, this alteration is predicted to be deleterious by in silico analysis. Based on the available evidence, the clinical significance of this variant remains unclear.

NM_000548.5(TSC2):c.305T>C (p.Leu102Pro)

Gene: TSC2 (TSC complex subunit 2; plus strand). Cytogenetic location: 16p13.3.
Variant type: single nucleotide variant.
Coding change: c.305T>C on transcript NM_000548.5 (MANE Select); coding-DNA position 305, T replaced by C.
Protein change: p.Leu102Pro; replaces leucine 102 with proline.
Molecular consequence: missense variant. On other transcripts: 5 prime UTR variant (14), intron variant (9), non-coding transcript variant (5).
Genome position (GRCh38, 1-based): chr16:2,053,421, T>C. VCF-style: chr16-2053421-T-C. GRCh37 (hg19) VCF-style: chr16-2103422-T-C.
Other names: c.305T>C, p.Leu102Pro (NM_001077183.3, NM_001114382.3, NM_001363528.2 and 10 more transcripts); c.158T>C, p.Leu53Pro (NM_001318829.2, NM_001406676.1, NM_001406677.1 and 2 more transcripts); c.338T>C, p.Leu113Pro (NM_001318832.2); c.-512T>C (NM_001406680.1, NM_001406683.1, NM_001406687.1); c.-141T>C (NM_001406681.1); c.-1127T>C (NM_001406689.1, NM_001406690.1, NM_001406691.1 and 2 more transcripts); c.226-875T>C (NM_001406678.1, NM_001406670.1, NM_001318827.2); c.-1-2775T>C (NM_001406682.1, NM_001406684.1, NM_001406685.1 and 3 more transcripts); and 4 more; short protein forms L102P, L113P, L53P.
Identifiers: ClinVar variation 4083272 (VCV004083272.4).